The following is an entry in ClinVar:

ClinVar aggregate classification (germline): Pathogenic/Likely pathogenic. Review status: criteria provided, multiple submitters, no conflicts (2 of 4 stars). 25 submissions from 24 submitters: Pathogenic (20); Likely pathogenic (1). 4 of the submissions do not count toward it. Last evaluated 2026-02-23.

Conditions:
HPS1-related disorders.
HPS1-related disorder. Also called: HPS1-related condition.
Hermansky-Pudlak syndrome (HPS). Also called: ALBINISM WITH HEMORRHAGIC DIATHESIS AND PIGMENTED RETICULOENDOTHELIAL CELLS. Identifiers: Orphanet 79430, MedGen C0079504, MONDO:0019312.
Hermansky-Pudlak syndrome 1 (HPS1). Also called: DELTA STORAGE POOL DISEASE. Identifiers: Orphanet 231500, Orphanet 79430, MedGen C2931875, MONDO:0008748, OMIM 203300.

Submissions 1 to 14 of 25:

Otogenetics
Classification: Pathogenic for Hermansky-Pudlak syndrome 1. Last evaluated: 2026-02-23. Review status: criteria provided, single submitter. Criteria: ACMG Guidelines, 2015. Collection method: clinical testing. Allele origin: germline.
Comment: PVS1: Frameshift indel introduces premature stop codon in gene with loss of function as mechanism of disease, predicted to undergo NMD; PM2: Maximum gnomAD MAF of 0.023% in African (AFR) subpopulation (<0.087% threshold); PM3_Strong: Variant reported in homozygous state in four affected individuals and in trans with three pathogenic variants in three individuals affected with Hermansky-Pudlak syndrome (PMID: 30791930, 31064749, 31249973)

Natera, Inc.
Classification: Pathogenic for Hermansky-Pudlak syndrome. Last evaluated: 2026-01-26. Review status: criteria provided, single submitter. Criteria: Natera Variant Classification Schema (03/2026). Collection method: clinical testing. Allele origin: germline.
Comment: The c.972dupC variant in HPS1 is a frameshift variant predicted to shift the reading frame beginning at codon 325 and leads to a stop codon 128 codons downstream. This variant is expected to result in nonsense mediated decay, truncation, or a dysfunctional protein product. This variant is rare in the general population with a frequency below the threshold expected for the associated phenotype(s). This variant has been observed in one or more individuals affected with the associated recessive disease, as either homozygous or compound heterozygous with a second variant (PMID: 29345414). Given the available evidence, this variant is classified as Pathogenic.

Labcorp Genetics (formerly Invitae), Labcorp
Classification: Pathogenic. Last evaluated: 2025-12-31. Review status: criteria provided, single submitter. Criteria: Invitae Variant Classification Sherloc (09022015). Collection method: clinical testing. Allele origin: germline.
Comment: This sequence change creates a premature translational stop signal (p.Met325Hisfs*128) in the HPS1 gene. It is expected to result in an absent or disrupted protein product. Loss-of-function variants in HPS1 are known to be pathogenic (PMID: 12442288, 16185271). The frequency data for this variant in the population databases is considered unreliable, as metrics indicate poor data quality at this position in the gnomAD database. This premature translational stop signal has been observed in individual(s) with Hermansky–Pudlak syndrome (PMID: 8896559, 14510955, 15952982, 16185271). In at least one individual the data is consistent with being in trans (on the opposite chromosome) from a pathogenic variant. This variant is also known as insC974 and Pro324 frameshift. ClinVar contains an entry for this variant (Variation ID: 5278). For these reasons, this variant has been classified as Pathogenic.

Revvity Omics, Revvity
Classification: Pathogenic for Hermansky-Pudlak syndrome 1. Last evaluated: 2025-07-26. Review status: criteria provided, single submitter. Criteria: ACMG Guidelines, 2015. Collection method: clinical testing. Allele origin: germline.

Dasa
Classification: Pathogenic. Last evaluated: 2025-05-15. Review status: criteria provided, single submitter. Criteria: DASA Assertion Criteria. Collection method: clinical testing. Allele origin: germline.
Comment: NM_000195.5(HPS1):c.972dup (p.Met325Hisfs*128) introduces a premature termination codon predicted to result in loss of normal protein function. Loss-of-function is an established mechanism of disease for this gene. This variant has been recurrently observed in affected individuals with related phenotype in a genotype context consistent with recessive disease (PMID: 8274781; PMID: 8896559; PMID: 9497254). The variant is present at low frequency in population datasets. Based on the available data, this variant is classified as pathogenic.

Center of Human Genetics, Hôpital Erasme
Classification: Pathogenic for Hermansky-Pudlak syndrome 1. Last evaluated: 2025-01-01. Review status: criteria provided, single submitter. Criteria: ACMG Guidelines, 2015. Collection method: clinical testing. Allele origin: inherited. Affected: yes.

Laboratory of Genetic Epidemiology, Research Centre for Medical Genetics
Classification: Pathogenic for Hermansky-Pudlak syndrome 1. Last evaluated: 2025-01-01. Review status: criteria provided, single submitter. Criteria: ACMG Guidelines, 2015. Collection method: clinical testing. Allele origin: paternal. Inheritance: Autosomal recessive inheritance. Affected: yes. Observed: 1 heterozygote.
Comment: This variant hasbeen previously reported in the literature (PMID: 39457042) and is listed in gnomAD v3.1.2 with allele frequency 0.0002 (15/67924). Taken together, the variant meets the following ACMG/AMP criteria and can be classified as pathogenic with PM2, PVS1, PM3, PP5 criteria.

Genomic Medicine Center of Excellence, King Faisal Specialist Hospital and Research Centre
Classification: Pathogenic for Hermansky-Pudlak syndrome 1. Last evaluated: 2024-12-17. Review status: criteria provided, single submitter. Criteria: ACMG Guidelines, 2015. Collection method: clinical testing. Allele origin: germline.

GeneDx
Classification: Pathogenic. Last evaluated: 2024-11-18. Review status: criteria provided, single submitter. Criteria: GeneDx Variant Classification Process June 2021. Collection method: clinical testing. Allele origin: germline. Affected: yes.
Comment: Frameshift variant predicted to result in protein truncation or nonsense mediated decay in a gene for which loss of function is a known mechanism of disease; Also known as T322insC and Pro 324 frameshift; This variant is associated with the following publications: (PMID: 8896559, 8274781, 19729668, 30791930, 31229681, 30387913, 31141302, 31064749, 34897530, 9497254, 14510955, 16185271, 32581362, 33612058, 31589614, 32725903, 37071997, 35314707, 34838614, 35132767, 34362826)

Blueprint Genetics
Classification: Pathogenic for HPS1-related disorders. Last evaluated: 2024-08-15. Review status: criteria provided, single submitter. Criteria: ACMG Guidelines, 2015. Collection method: clinical testing. Allele origin: germline. Affected: yes. Observed: 5 variant alleles.

Fulgent Genetics
Classification: Pathogenic for Hermansky-Pudlak syndrome 1. Last evaluated: 2024-06-05. Review status: criteria provided, single submitter. Criteria: ACMG Guidelines, 2015. Collection method: clinical testing. Allele origin: germline.

Baylor Genetics
Classification: Pathogenic for Hermansky-Pudlak syndrome 1. Last evaluated: 2024-03-12. Review status: criteria provided, single submitter. Criteria: ACMG Guidelines, 2015. Collection method: clinical testing. Allele origin: unknown.

Institute of Medical Genetics and Applied Genomics, University Hospital Tübingen
Classification: Pathogenic for Hermansky-Pudlak syndrome 1. Last evaluated: 2024-02-20. Review status: criteria provided, single submitter. Criteria: ACMG Guidelines, 2015. Collection method: clinical testing. Allele origin: germline. Inheritance: Autosomal recessive inheritance. Affected: yes.

Women's Health and Genetics/Laboratory Corporation of America, LabCorp
Classification: Pathogenic for Hermansky-Pudlak syndrome. Last evaluated: 2023-12-14. Review status: criteria provided, single submitter. Criteria: LabCorp Variant Classification Summary - May 2015. Collection method: clinical testing. Allele origin: germline.
Comment: Variant summary: HPS1 c.972dupC (p.Met325HisfsX128) results in a premature termination codon, predicted to cause a truncation of the encoded protein or absence of the protein due to nonsense mediated decay, which are commonly known mechanisms for disease. The frequency data for this variant in gnomAD is considered unreliable, as metrics indicate poor data quality at this position. c.972dupC has been reported in the literature in the homozygous state in individuals affected with albinism and Hermansky-Pudlak Syndrome (e.g. Wei_2022). These data indicate that the variant is likely associated with disease. To our knowledge, no experimental evidence demonstrating an impact on protein function has been reported. The following publication has been ascertained in the context of this evaluation (PMID: 34838614). Nine submitters have cited clinical-significance assessments for this variant to ClinVar after 2014. All submitters classified the variant as pathogenic/likely pathogenic. Based on the evidence outlined above, the variant was classified as pathogenic.

NM_000195.5(HPS1):c.972dup (p.Met325fs)

Genes: HPS1 (HPS1 biogenesis of lysosomal organelles complex 3 subunit 1; minus strand), MIR4685 (microRNA 4685; minus strand). Cytogenetic location: 10q24.2.
Variant type: Duplication.
Coding change: c.972dup on transcript NM_000195.5 (MANE Select); coding-DNA position 972, one base duplicated (C; older notation c.972dupC).
Protein change: p.Met325fs; shifts the reading frame from methionine 325.
Molecular consequence: frameshift variant.
Genome position (GRCh38, 1-based): chr10:98,427,230, G duplicated on the plus strand (C on the coding strand, the reverse complement: HPS1 is on the minus strand); the first of 8 consecutive G bases (chr10:98,427,230-98,427,237); duplicating any one gives the same sequence. VCF-style (leftmost placement, unchanged base first): chr10-98427229-T-TG. GRCh37 (hg19) VCF-style: chr10-100186986-T-TG.
Other names: p.Met325HisfsX128; NM_000195.5(HPS1):c.972dup; p.Met325fs; c.972dupC (NM_000195.4, NM_000195.5, NM_000195.3); c.-1dup, p.Met1fs (NM_001311345.2, NM_001322487.2, NM_001322489.2); c.972dup, p.Met325fs (NM_001322476.2, NM_001322477.2); c.873dup, p.Met292fs (NM_001322478.2, NM_001322479.2); c.711dup, p.Met238fs (NM_001322480.2, NM_001322481.2); and 3 more; short protein forms M238fs, M292fs, M169fs, M1fs, M205fs, M202fs, M325fs.
Identifiers: ClinVar variation 5278 (VCV000005278.46), dbSNP rs281865082, ClinGen allele CA340384.